The following is an entry in ClinVar:

ClinVar aggregate classification (germline): Uncertain significance (1 of 4 stars; one submission).

Conditions:
Dilated cardiomyopathy 1AA (CMD1AA). Also called: Cardiomyopathy, dilated, 1AA, with or without LVNC; CARDIOMYOPATHY, DILATED, 1AA, WITH OR WITHOUT LEFT VENTRICULAR NONCOMPACTION; CARDIOMYOPATHY, FAMILIAL HYPERTROPHIC, 23, WITH OR WITHOUT LEFT VENTRICULAR NONCOMPACTION. Identifiers: Orphanet 154, MedGen C2677338, MONDO:0012808, OMIM 612158.
Primary familial hypertrophic cardiomyopathy (HCM). Identifiers: Orphanet 99739, MedGen C0949658, MeSH D024741, MONDO:0024573. Inheritance: Various modes of inheritance.

gnomAD v4.1: 1 of 1,614,198 alleles (0.000062%); highest among the groups gnomAD compares: South Asian, 0.0011%; no homozygotes.

Submission:

Labcorp Genetics (formerly Invitae), Labcorp
Classification: Uncertain significance for Primary familial hypertrophic cardiomyopathy; Dilated cardiomyopathy 1AA. Last evaluated: 2018-08-28. Review status: criteria provided, single submitter. Criteria: Invitae Variant Classification Sherloc (09022015). Collection method: clinical testing. Allele origin: germline.
Comment: This variant is not present in population databases (ExAC no frequency). This variant has not been reported in the literature in individuals with ACTN2-related disease. Algorithms developed to predict the effect of missense changes on protein structure and function are either unavailable or do not agree on the potential impact of this missense change (SIFT: "Deleterious"; PolyPhen-2: "Probably Damaging"; Align-GVGD: "Class C15"). In summary, the available evidence is currently insufficient to determine the role of this variant in disease. Therefore, it has been classified as a Variant of Uncertain Significance. This sequence change replaces histidine with glutamine at codon 191 of the ACTN2 protein (p.His191Gln). The histidine residue is highly conserved and there is a small physicochemical difference between histidine and glutamine.

NM_001103.4(ACTN2):c.573C>A (p.His191Gln)

Gene: ACTN2 (actinin alpha 2; plus strand). Cytogenetic location: 1q43.
Variant type: single nucleotide variant.
Coding change: c.573C>A on transcript NM_001103.4 (MANE Select); coding-DNA position 573, C replaced by A.
Protein change: p.His191Gln; replaces histidine 191 with glutamine.
Molecular consequence: missense variant. On other transcripts: 5 prime UTR variant (1).
Genome position (GRCh38, 1-based): chr1:236,727,714, C>A. VCF-style: chr1-236727714-C-A. GRCh37 (hg19) VCF-style: chr1-236891014-C-A.
Other names: c.573C>A, p.His191Gln (NM_001278343.2); c.-249C>A (NM_001278344.2); short protein forms H191Q.
Identifiers: ClinVar variation 665954 (VCV000665954.9), dbSNP rs1572121844, ClinGen allele CA345375468.
Genomic context (GRCh38, chr1:236,727,714, plus strand): 5'-CTGTTCTTCTCGACGGCTGTGAAGCTGGAAAGATGGCCTTGGACTCTGTGCCCTCATCCA[C>A]CGACACCGGCCTGACCTCATTGACTACTCAAAGCTTAACAAGGTTATTCTGGGTGGCCTG-3'
Protein context (NP_001094.1, residues 181-201): KDGLGLCALI[His191Gln]RHRPDLIDYS